The following is an entry in ClinVar:

NM_138576.4(BCL11B):c.1179C>T (p.Asn393=)

Gene: BCL11B (BCL11 transcription factor B; minus strand). Cytogenetic location: 14q32.2.
Variant type: single nucleotide variant.
Coding change: c.1179C>T on transcript NM_138576.4 (MANE Select); coding-DNA position 1179, C replaced by T.
Protein change: p.Asn393=; no amino-acid change (asparagine 393 retained).
Molecular consequence: synonymous variant.
Genome position (GRCh38, 1-based): chr14:99,175,657, G>A on the plus strand (C>T on the coding strand, the complement: BCL11B is on the minus strand). VCF-style: chr14-99175657-G-A. GRCh37 (hg19) VCF-style: chr14-99641994-G-A.
Other names: c.1176C>T, p.Asn392= (NM_001282237.2); c.963C>T, p.Asn321= (NM_001282238.2); c.966C>T, p.Asn322= (NM_022898.3).
Identifiers: ClinVar variation 1635009 (VCV001635009.33), dbSNP rs374131946, ClinGen allele CA7339726.

ClinVar aggregate classification (germline): Benign/Likely benign. Review status: criteria provided, multiple submitters, no conflicts (2 of 4 stars). 3 submissions from 3 submitters: Benign (1); Likely benign (2). Last evaluated 2025-12-22.

Allele frequency attached by ClinVar (database versions not stated): gnomAD exomes 0.00009 and 0.00032; 1000 Genomes Project 30x 0.00031; 1000 Genomes Project 0.00040; ExAC 0.00044; ESP Exome Variant Server 0.00060; gnomAD 0.00129 and 0.00140; TOPMed 0.00140.
gnomAD v4.1: 323 of 1,559,348 alleles (0.021%); highest among the groups gnomAD compares: African/African-American, 0.41%; 2 homozygotes.

Submissions (3):

Labcorp Genetics (formerly Invitae), Labcorp
Classification: Benign. Last evaluated: 2025-12-22. Review status: criteria provided, single submitter. Criteria: Invitae Variant Classification Sherloc (09022015). Collection method: clinical testing. Allele origin: germline.

CeGaT Center for Human Genetics Tuebingen
Classification: Likely benign. Last evaluated: 2024-08-01. Review status: criteria provided, single submitter. Criteria: CeGaT Center For Human Genetics Tuebingen Variant Classification Criteria Version 2. Collection method: clinical testing. Allele origin: germline. Affected: yes. Observed: 2 variant alleles.
Comment: BCL11B: BP4, BS1

Blueprint Genetics
Classification: Likely benign. Last evaluated: 2024-06-05. Review status: criteria provided, single submitter. Criteria: ACMG Guidelines, 2015. Collection method: clinical testing. Allele origin: germline.